The following is an entry in ClinVar:

ClinVar aggregate classification (germline): Conflicting classifications of pathogenicity. Review status: criteria provided, conflicting classifications (1 of 4 stars). 3 submissions from 3 submitters: Uncertain significance (2); Likely benign (1). Last evaluated 2025-12-29.

Conditions:
Early-infantile DEE. Also called: Ohtahara syndrome; Early infantile epileptic encephalopathy; Early infantile epileptic encephalopathy with suppression bursts. Identifiers: Orphanet 1934, MedGen C0393706, MONDO:0800491.
Developmental and epileptic encephalopathy, 5 (DEE5). Identifiers: Orphanet 3451, MedGen C3150731, MONDO:0013277, OMIM 613477.

Allele frequency attached by ClinVar (database versions not stated): ExAC 0.00002; gnomAD 0.00002 and 0.00004; gnomAD exomes 0.00002; TOPMed 0.00002.
gnomAD v4.1: 30 of 1,614,020 alleles (0.0019%); highest among the groups gnomAD compares: Middle Eastern, 0.016%; no homozygotes.

Submissions (3):

Labcorp Genetics (formerly Invitae), Labcorp
Classification: Uncertain significance for Early-infantile DEE. Last evaluated: 2025-12-29. Review status: criteria provided, single submitter. Criteria: Invitae Variant Classification Sherloc (09022015). Collection method: clinical testing. Allele origin: germline.
Comment: This sequence change replaces glutamic acid, which is acidic and polar, with lysine, which is basic and polar, at codon 2377 of the SPTAN1 protein (p.Glu2377Lys). This variant is present in population databases (rs757162652, gnomAD 0.007%). This variant has not been reported in the literature in individuals affected with SPTAN1-related conditions. ClinVar contains an entry for this variant (Variation ID: 207305). Invitae Evidence Modeling of protein sequence and biophysical properties (such as structural, functional, and spatial information, amino acid conservation, physicochemical variation, residue mobility, and thermodynamic stability) has been performed for this missense variant. However, the output from this modeling did not meet the statistical confidence thresholds required to predict the impact of this variant on SPTAN1 protein function. In summary, the available evidence is currently insufficient to determine the role of this variant in disease. Therefore, it has been classified as a Variant of Uncertain Significance.

Genome-Nilou Lab
Classification: Uncertain significance for Developmental and epileptic encephalopathy, 5. Last evaluated: 2021-07-15. Review status: criteria provided, single submitter. Criteria: ACMG Guidelines, 2015. Collection method: clinical testing. Allele origin: germline. Affected: no.

GeneDx
Classification: Likely benign. Last evaluated: 2020-07-02. Review status: criteria provided, single submitter. Criteria: GeneDx Variant Classification Process June 2021. Collection method: clinical testing. Allele origin: germline. Affected: yes.

NM_001130438.3(SPTAN1):c.7129G>A (p.Glu2377Lys)

Gene: SPTAN1 (spectrin alpha, non-erythrocytic 1; plus strand). Cytogenetic location: 9q34.11.
Variant type: single nucleotide variant.
Coding change: c.7129G>A on transcript NM_001130438.3 (MANE Select); coding-DNA position 7129, G replaced by A.
Protein change: p.Glu2377Lys; replaces glutamic acid 2377 with lysine.
Molecular consequence: missense variant.
Genome position (GRCh38, 1-based): chr9:128,632,687, G>A. VCF-style: chr9-128632687-G-A. GRCh37 (hg19) VCF-style: chr9-131394966-G-A.
Other names: p.E2377K:GAG>AAG; c.7054G>A, p.Glu2352Lys (NM_001195532.2); c.7192G>A, p.Glu2398Lys (NM_001363759.2); c.7069G>A, p.Glu2357Lys (NM_001363765.2); c.7114G>A, p.Glu2372Lys (NM_003127.4); short protein forms E2377K, E2352K, E2357K, E2372K, E2398K.
Identifiers: ClinVar variation 207305 (VCV000207305.15), dbSNP rs757162652, ClinGen allele CA318645.